The following is an entry in ClinVar:

ClinVar aggregate classification (germline): Conflicting classifications of pathogenicity. Review status: criteria provided, conflicting classifications (1 of 4 stars). 5 submissions from 5 submitters: Uncertain significance (4); Likely benign (1). Last evaluated 2025-08-14.

Conditions:
Inborn genetic diseases. Identifiers: MedGen C0950123, MeSH D030342.

Allele frequency attached by ClinVar (database versions not stated): TOPMed 0.00004; ExAC 0.00008; ESP Exome Variant Server 0.00008; gnomAD 0.00001; gnomAD exomes 0.00002.
gnomAD v4.1: 32 of 1,367,392 alleles (0.0023%); highest among the groups gnomAD compares: Admixed American, 0.0076%; no homozygotes.

Submissions (5):

GeneDx
Classification: Uncertain significance. Last evaluated: 2025-08-14. Review status: criteria provided, single submitter. Criteria: GeneDx Variant Classification Process June 2021. Collection method: clinical testing. Allele origin: germline. Affected: yes.
Comment: Has not been previously published as pathogenic or benign to our knowledge; In silico analysis suggests that this missense variant does not alter protein structure/function

Labcorp Genetics (formerly Invitae), Labcorp
Classification: Likely benign. Last evaluated: 2024-12-03. Review status: criteria provided, single submitter. Criteria: Invitae Variant Classification Sherloc (09022015). Collection method: clinical testing. Allele origin: germline.

Ambry Genetics
Classification: Uncertain significance for Inborn genetic diseases. Last evaluated: 2024-11-24. Review status: criteria provided, single submitter. Criteria: Ambry Variant Classification Scheme 2023. Collection method: clinical testing. Allele origin: germline.

Blueprint Genetics
Classification: Uncertain significance. Last evaluated: 2024-09-09. Review status: criteria provided, single submitter. Criteria: ACMG Guidelines, 2015. Collection method: clinical testing. Allele origin: germline.

Women's Health and Genetics/Laboratory Corporation of America, LabCorp
Classification: Uncertain significance. Last evaluated: 2024-02-09. Review status: criteria provided, single submitter. Criteria: LabCorp Variant Classification Summary - May 2015. Collection method: clinical testing. Allele origin: germline.
Comment: Variant summary: COL11A2 c.1060T>A (p.Tyr354Asn) results in a non-conservative amino acid change in the encoded protein sequence. Three of five in-silico tools predict a damaging effect of the variant on protein function. The variant allele was found at a frequency of 2.3e-05 in 1367392 control chromosomes (gnomAD v4.0.0). To our knowledge, no occurrence of c.1060T>A in individuals affected with COL11A2-Related Disorders and no experimental evidence demonstrating its impact on protein function have been reported. ClinVar contains an entry for this variant (Variation ID: 2166213). Based on the evidence outlined above, the variant was classified as uncertain significance.

NM_080680.3(COL11A2):c.1060T>A (p.Tyr354Asn)

Gene: COL11A2 (collagen type XI alpha 2 chain; minus strand). Cytogenetic location: 6p21.32.
Variant type: single nucleotide variant.
Coding change: c.1060T>A on transcript NM_080680.3 (MANE Select); coding-DNA position 1060, T replaced by A.
Protein change: p.Tyr354Asn; replaces tyrosine 354 with asparagine.
Molecular consequence: missense variant. On other transcripts: intron variant (2).
Genome position (GRCh38, 1-based): chr6:33,184,204, A>T on the plus strand (T>A on the coding strand, the complement: COL11A2 is on the minus strand). VCF-style: chr6-33184204-A-T. GRCh37 (hg19) VCF-style: chr6-33151981-A-T.
Other names: c.1060T>A (NM_080680.2); c.798+2423T>A (NM_080679.3); c.861+788T>A (NM_080681.3); short protein forms Y354N.
Identifiers: ClinVar variation 2166213 (VCV002166213.9), dbSNP rs377259695, ClinGen allele CA3751489.